The following is an entry in ClinVar:

ClinVar aggregate classification (germline): Pathogenic (1 of 4 stars; one submission).

Conditions:
Glycine encephalopathy. Also called: Nonketotic hyperglycinemia; Non-ketotic hyperglycinemia. Identifiers: Orphanet 407, MedGen C0751748, MONDO:0011612, HP:0008288.

Submission:

Labcorp Genetics (formerly Invitae), Labcorp
Classification: Pathogenic for Glycine encephalopathy. Last evaluated: 2022-08-25. Review status: criteria provided, single submitter. Criteria: Invitae Variant Classification Sherloc (09022015). Collection method: clinical testing. Allele origin: germline.
Comment: This variant is a gross deletion of the genomic region encompassing exon(s) 3 of the GLDC gene. This deletion is out-of-frame, and is expected to create a premature termination codon and result in an absent or disrupted protein product. Loss-of-function variants in GLDC are known to be pathogenic (PMID: 16601880). A similar copy number variant has been observed in individual(s) with glycine encephalopathy (PMID: 27362913). For these reasons, this variant has been classified as Pathogenic.

Literature cited by the submitters: PubMed 16601880; PubMed 27362913.

NC_000009.12:g.(?_6620174)_(6620329_?)del

Gene: GLDC (glycine decarboxylase; minus strand). Cytogenetic location: 9p24.1.
Variant type: Deletion.
Identifiers: ClinVar variation 832605 (VCV000832605.8).